The following is an entry in ClinVar:

ClinVar aggregate classification (germline): Pathogenic (1 of 4 stars; one submission).

Submission:

Labcorp Genetics (formerly Invitae), Labcorp
Classification: Pathogenic. Last evaluated: 2024-11-06. Review status: criteria provided, single submitter. Criteria: Invitae Variant Classification Sherloc (09022015). Collection method: clinical testing. Allele origin: germline.
Comment: This sequence change creates a premature translational stop signal (p.Pro295Serfs*24) in the CD46 gene. It is expected to result in an absent or disrupted protein product. Loss-of-function variants in CD46 are known to be pathogenic (PMID: 16621965, 23431077). This variant is not present in population databases (gnomAD no frequency). This variant has not been reported in the literature in individuals affected with CD46-related conditions. ClinVar contains an entry for this variant (Variation ID: 1385626). For these reasons, this variant has been classified as Pathogenic.

Literature cited by the submitters: PubMed 16621965; PubMed 23431077.

NM_172351.3(CD46):c.857-148dup

Gene: CD46 (CD46 molecule; plus strand). Cytogenetic location: 1q32.2.
Variant type: Duplication.
Coding change: c.857-148dup on transcript NM_172351.3 (MANE Select); 148 bases into the intron before coding-DNA position 857, one base duplicated (C; older notation c.857-148dupC).
Molecular consequence: intron variant. On other transcripts: frameshift variant (2).
Genome position (GRCh38, 1-based): chr1:207,767,631, C duplicated; the last of 2 consecutive C bases (chr1:207,767,630-207,767,631); duplicating either gives the same sequence. VCF-style (leftmost placement, unchanged base first): chr1-207767629-A-AC. GRCh37 (hg19) VCF-style: chr1-207940974-A-AC.
Other names: c.881dup, p.Pro295fs (NM_002389.4, NM_172359.3); c.857-148dup (NM_153826.4, NM_172358.3, NM_172355.3 and 1 more transcripts); c.856+436dup (NM_172352.3, NM_172353.3, NM_172350.3 and 2 more transcripts); short protein forms P295fs.
Identifiers: ClinVar variation 1385626 (VCV001385626.6), dbSNP rs2102598897, ClinGen allele CA2573131473.